The following is an entry in ClinVar:

NM_020066.5(FMN2):c.4401T>A (p.Ile1467=)

Gene: FMN2 (formin 2; plus strand). Cytogenetic location: 1q43.
Variant type: single nucleotide variant.
Coding change: c.4401T>A on transcript NM_020066.5 (MANE Select); coding-DNA position 4401, T replaced by A.
Protein change: p.Ile1467=; no amino-acid change (isoleucine 1467 retained).
Molecular consequence: synonymous variant.
Genome position (GRCh38, 1-based): chr1:240,329,432, T>A. VCF-style: chr1-240329432-T-A. GRCh37 (hg19) VCF-style: chr1-240492732-T-A.
Other names: c.4413T>A, p.Ile1471= (NM_001305424.2); c.2322T>A, p.Ile774= (NM_001348094.2).
Identifiers: ClinVar variation 3049179 (VCV003049179.2), dbSNP rs556303707, ClinGen allele CA424287517.
Genomic context (GRCh38, chr1:240,329,432, plus strand): 5'-TTCAGAGCGAGTCTTTTGCATCCTGTTCCAGTCCACATTTTCAGAAAGCATTTGCTCAAT[T>A]CGTCGCAAACTGGAATTACTACAGAAATTGTGTGAGGTGAGTTCTGGTCCAAAGAGAGCT-3'
Protein context (NP_064450.3, residues 1457-1477): QSTFSESICS[Ile1467=]RRKLELLQKL

ClinVar aggregate classification (germline): Likely benign (0 of 4 stars; one submission).

Conditions:
FMN2-related disorder. Also called: FMN2-related condition.

Submission:

PreventionGenetics, part of Exact Sciences
Classification: Likely benign for FMN2-related condition. Last evaluated: 2022-06-02. Review status: no assertion criteria provided. Collection method: clinical testing. Allele origin: germline.
Comment: This variant is classified as likely benign based on ACMG/AMP sequence variant interpretation guidelines (Richards et al. 2015 PMID: 25741868, with internal and published modifications).